The following is an entry in ClinVar:

ClinVar aggregate classification (germline): Uncertain significance (1 of 4 stars; one submission).

Allele frequency attached by ClinVar (database versions not stated): gnomAD exomes below 0.00001; gnomAD 0.00001; TOPMed 0.00001.
gnomAD v4.1: 4 of 1,545,702 alleles (0.00026%); highest among the groups gnomAD compares: Non-Finnish European, 0.00035%; no homozygotes.

Submission:

Labcorp Genetics (formerly Invitae), Labcorp
Classification: Uncertain significance. Last evaluated: 2022-08-15. Review status: criteria provided, single submitter. Criteria: Invitae Variant Classification Sherloc (09022015). Collection method: clinical testing. Allele origin: germline.
Comment: This sequence change replaces methionine, which is neutral and non-polar, with leucine, which is neutral and non-polar, at codon 2177 of the DMXL2 protein (p.Met2177Leu). In summary, the available evidence is currently insufficient to determine the role of this variant in disease. Therefore, it has been classified as a Variant of Uncertain Significance. Algorithms developed to predict the effect of sequence changes on RNA splicing suggest that this variant may create or strengthen a splice site. Algorithms developed to predict the effect of missense changes on protein structure and function are either unavailable or do not agree on the potential impact of this missense change (SIFT: "Deleterious"; PolyPhen-2: "Benign"; Align-GVGD: "Class C0"). This variant has not been reported in the literature in individuals affected with DMXL2-related conditions. The frequency data for this variant in the population databases is considered unreliable, as metrics indicate poor data quality at this position in the gnomAD database.

NM_001378457.1(DMXL2):c.6529A>T (p.Met2177Leu)

Gene: DMXL2 (Dmx like 2; minus strand). Cytogenetic location: 15q21.2.
Variant type: single nucleotide variant.
Coding change: c.6529A>T on transcript NM_001378457.1 (MANE Select); coding-DNA position 6529, A replaced by T.
Protein change: p.Met2177Leu; replaces methionine 2177 with leucine.
Molecular consequence: missense variant. On other transcripts: non-coding transcript variant (2).
Genome position (GRCh38, 1-based): chr15:51,480,577, T>A on the plus strand (A>T on the coding strand, the complement: DMXL2 is on the minus strand). VCF-style: chr15-51480577-T-A. GRCh37 (hg19) VCF-style: chr15-51772774-T-A.
Other names: c.6529A>T, p.Met2177Leu (NM_001174116.3, NM_001378458.1, NM_001378459.1 and 4 more transcripts); c.4621A>T, p.Met1541Leu (NM_001174117.3); c.4510A>T, p.Met1504Leu (NM_001378460.1); c.6289A>T, p.Met2097Leu (NM_001378464.1); short protein forms M1504L, M1541L, M2097L, M2177L.
Identifiers: ClinVar variation 1960546 (VCV001960546.3), dbSNP rs969630102, ClinGen allele CA270597502.